The following is an entry in ClinVar:

ClinVar aggregate classification (germline): Uncertain significance. Review status: criteria provided, multiple submitters, no conflicts (2 of 4 stars). 3 submissions from 3 submitters: Uncertain significance (3). Last evaluated 2023-04-11.

Conditions:
Developmental and epileptic encephalopathy, 18 (DEE18). Also called: Early infantile epileptic encephalopathy 18. Identifiers: Orphanet 369894, MedGen C3809624, MONDO:0014201, OMIM 615476.

Allele frequency attached by ClinVar (database versions not stated): gnomAD exomes 0.00001; ExAC 0.00002; gnomAD 0.00003; 1000 Genomes Project 30x 0.00016.
gnomAD v4.1: 10 of 1,614,102 alleles (0.00062%); highest among the groups gnomAD compares: African/African-American, 0.004%; no homozygotes.

Submissions (3):

Genome-Nilou Lab
Classification: Uncertain significance for Developmental and epileptic encephalopathy, 18. Last evaluated: 2023-04-11. Review status: criteria provided, single submitter. Criteria: ACMG Guidelines, 2015. Collection method: clinical testing. Allele origin: germline. Affected: no.

Labcorp Genetics (formerly Invitae), Labcorp
Classification: Uncertain significance. Last evaluated: 2022-04-01. Review status: criteria provided, single submitter. Criteria: Invitae Variant Classification Sherloc (09022015). Collection method: clinical testing. Allele origin: germline.
Comment: This sequence change replaces arginine, which is basic and polar, with glutamine, which is neutral and polar, at codon 25 of the SZT2 protein (p.Arg25Gln). This variant is present in population databases (rs760528024, gnomAD 0.006%). This variant has not been reported in the literature in individuals affected with SZT2-related conditions. ClinVar contains an entry for this variant (Variation ID: 374467). Algorithms developed to predict the effect of missense changes on protein structure and function are either unavailable or do not agree on the potential impact of this missense change (SIFT: "Deleterious"; PolyPhen-2: "Probably Damaging"; Align-GVGD: "Class C0"). In summary, the available evidence is currently insufficient to determine the role of this variant in disease. Therefore, it has been classified as a Variant of Uncertain Significance.

CeGaT Center for Human Genetics Tuebingen
Classification: Uncertain significance. Last evaluated: 2016-08-01. Review status: criteria provided, single submitter. Criteria: CeGaT Center For Human Genetics Tuebingen Variant Classification Criteria Version 2. Collection method: clinical testing. Allele origin: germline. Affected: yes. Observed: 1 variant allele.

NM_001365999.1(SZT2):c.74G>A (p.Arg25Gln)

Gene: SZT2 (SZT2 subunit of KICSTOR complex; plus strand). Cytogenetic location: 1p34.2.
Variant type: single nucleotide variant.
Coding change: c.74G>A on transcript NM_001365999.1 (MANE Select); coding-DNA position 74, G replaced by A.
Protein change: p.Arg25Gln; replaces arginine 25 with glutamine.
Molecular consequence: missense variant.
Genome position (GRCh38, 1-based): chr1:43,403,223, G>A. VCF-style: chr1-43403223-G-A. GRCh37 (hg19) VCF-style: chr1-43868894-G-A.
Other names: c.74G>A, p.Arg25Gln (NM_015284.4); short protein forms R25Q.
Identifiers: ClinVar variation 374467 (VCV000374467.44), dbSNP rs760528024, ClinGen allele CA808068.